The following is an entry in ClinVar:

ClinVar aggregate classification (germline): Likely benign. Review status: criteria provided, multiple submitters, no conflicts (2 of 4 stars). 3 submissions from 3 submitters: Likely benign (3). Last evaluated 2026-01-21.

Allele frequency attached by ClinVar (database versions not stated): ExAC 0.00008; gnomAD 0.00014 and 0.00015; TOPMed 0.00015; ESP Exome Variant Server 0.00017.

Submissions (3):

Labcorp Genetics (formerly Invitae), Labcorp
Classification: Likely benign. Last evaluated: 2026-01-21. Review status: criteria provided, single submitter. Criteria: Invitae Variant Classification Sherloc (09022015). Collection method: clinical testing. Allele origin: germline.

CeGaT Center for Human Genetics Tuebingen
Classification: Likely benign. Last evaluated: 2024-12-01. Review status: criteria provided, single submitter. Criteria: CeGaT Center For Human Genetics Tuebingen Variant Classification Criteria Version 2. Collection method: clinical testing. Allele origin: germline. Affected: yes. Observed: 1 variant allele.
Comment: TOP2B: BP4, BP7

Blueprint Genetics
Classification: Likely benign. Last evaluated: 2022-07-11. Review status: criteria provided, single submitter. Criteria: ACMG Guidelines, 2015. Collection method: clinical testing. Allele origin: germline.

NM_001330700.2(TOP2B):c.1017A>G (p.Ala339=)

Gene: TOP2B (DNA topoisomerase II beta; minus strand). Cytogenetic location: 3p24.2.
Variant type: single nucleotide variant.
Coding change: c.1017A>G on transcript NM_001330700.2 (MANE Select); coding-DNA position 1017, A replaced by G.
Protein change: p.Ala339=; no amino-acid change (alanine 339 retained).
Molecular consequence: synonymous variant.
Genome position (GRCh38, 1-based): chr3:25,633,850, T>C on the plus strand (A>G on the coding strand, the complement: TOP2B is on the minus strand). VCF-style: chr3-25633850-T-C. GRCh37 (hg19) VCF-style: chr3-25675341-T-C.
Other names: c.1002A>G, p.Ala334= (NM_001068.3).
Identifiers: ClinVar variation 1575606 (VCV001575606.22), dbSNP rs373378738, ClinGen allele CA2288794.